The following is an entry in ClinVar:

ClinVar aggregate classification (germline): Benign/Likely benign. Review status: criteria provided, multiple submitters, no conflicts (2 of 4 stars). 4 submissions from 4 submitters: Benign (1); Likely benign (3). Last evaluated 2026-01-22.

Conditions:
Spondyloepimetaphyseal dysplasia-short limb-abnormal calcification syndrome (SMED-SL). Also called: SMED, TYPE II; SMED-SL/AC; Spondylometaepiphyseal dysplasia, short limb-hand type; SMED short limb-hand type; SMED type 2; Spondylometaepiphyseal dysplasia short limb-abnormal calcification type. Identifiers: Orphanet 93358, MedGen C1849011, MONDO:0010077, OMIM 271665.

Allele frequency attached by ClinVar (database versions not stated): ESP Exome Variant Server 0.00169; gnomAD 0.00258 and 0.00331; TOPMed 0.00323; gnomAD exomes 0.00451 and 0.00549; ExAC 0.00575; 1000 Genomes Project 30x 0.01015; 1000 Genomes Project 0.01098.
gnomAD v4.1: 7,160 of 1,613,878 alleles (0.44%); highest among the groups gnomAD compares: East Asian, 4.6%; 74 homozygotes.

Submissions (4):

Labcorp Genetics (formerly Invitae), Labcorp
Classification: Benign. Last evaluated: 2026-01-22. Review status: criteria provided, single submitter. Criteria: Invitae Variant Classification Sherloc (09022015). Collection method: clinical testing. Allele origin: germline.

ARUP Laboratories, Molecular Genetics and Genomics, ARUP Laboratories
Classification: Likely benign. Last evaluated: 2023-09-14. Review status: criteria provided, single submitter. Criteria: ARUP Molecular Germline Variant Investigation Process 2024. Collection method: clinical testing. Allele origin: germline.

GeneDx
Classification: Likely benign. Last evaluated: 2019-07-18. Review status: criteria provided, single submitter. Criteria: GeneDx Variant Classification Process June 2021. Collection method: clinical testing. Allele origin: germline. Affected: yes.

Illumina Laboratory Services, Illumina
Classification: Likely benign for Spondyloepimetaphyseal dysplasia-short limb-abnormal calcification syndrome. Last evaluated: 2018-01-12. Review status: criteria provided, single submitter. Criteria: ICSL Variant Classification Criteria 13 December 2019. Collection method: clinical testing. Allele origin: germline.
Comment: This variant was observed in the ICSL laboratory as part of a predisposition screen in an ostensibly healthy population. It had not been previously curated by ICSL or reported in the Human Gene Mutation Database (HGMD: prior to June 1st, 2018), and was therefore a candidate for classification through an automated scoring system. Utilizing variant allele frequency, disease prevalence and penetrance estimates, and inheritance mode, an automated score was calculated to assess if this variant is too frequent to cause the disease. Based on the score and internal cut-off values, a variant classified as likely benign is not then subjected to further curation. The score for this variant resulted in a classification of likely benign for this disease.

NM_006182.4(DDR2):c.1504+11T>C

Gene: DDR2 (discoidin domain receptor tyrosine kinase 2; plus strand). Cytogenetic location: 1q23.3.
Variant type: single nucleotide variant.
Coding change: c.1504+11T>C on transcript NM_006182.4 (MANE Select); 11 bases into the intron after coding-DNA position 1504, T replaced by C.
Molecular consequence: intron variant.
Genome position (GRCh38, 1-based): chr1:162,770,523, T>C. VCF-style: chr1-162770523-T-C. GRCh37 (hg19) VCF-style: chr1-162740313-T-C.
Other names: c.1504+11T>C (NM_001354983.2, NM_001354982.2, NM_001014796.3).
Identifiers: ClinVar variation 876649 (VCV000876649.20), dbSNP rs77385055, ClinGen allele CA1217535.